The following is an entry in ClinVar:

NM_000088.4(COL1A1):c.1375C>T (p.Pro459Ser)

Gene: COL1A1 (collagen type I alpha 1 chain; minus strand). Cytogenetic location: 17q21.33.
Variant type: single nucleotide variant.
Coding change: c.1375C>T on transcript NM_000088.4 (MANE Select); coding-DNA position 1375, C replaced by T.
Protein change: p.Pro459Ser; replaces proline 459 with serine.
Molecular consequence: missense variant.
Genome position (GRCh38, 1-based): chr17:50,194,807, G>A on the plus strand (C>T on the coding strand, the complement: COL1A1 is on the minus strand). VCF-style: chr17-50194807-G-A. GRCh37 (hg19) VCF-style: chr17-48272168-G-A.
Other names: short protein forms P459S.
Identifiers: ClinVar variation 1979052 (VCV001979052.5), dbSNP rs751299130, ClinGen allele CA8645266.

ClinVar aggregate classification (germline): Conflicting classifications of pathogenicity. Review status: criteria provided, conflicting classifications (1 of 4 stars). 2 submissions from 2 submitters: Uncertain significance (1); Likely benign (1). Last evaluated 2026-01-05.

Conditions:
Osteogenesis imperfecta type I (OI1). Also called: Lobstein disease; Lobstein's Disease; Osteogenesis imperfecta type 1; Classic Non-deforming Osteogenesis Imperfecta with Blue Sclerae; OI, TYPE I; OSTEOGENESIS IMPERFECTA TARDA. Identifiers: Orphanet 216796, Orphanet 666, MedGen C0023931, MONDO:0008146, OMIM 166200. Disease mechanism: loss of function.

Submissions (2):

Women's Health and Genetics/Laboratory Corporation of America, LabCorp
Classification: Uncertain significance. Last evaluated: 2026-01-05. Review status: criteria provided, single submitter. Criteria: LabCorp Variant Classification Summary - May 2015. Collection method: clinical testing. Allele origin: germline.
Comment: Variant summary: COL1A1 c.1375C>T (p.Pro459Ser) results in a non-conservative amino acid change in the encoded protein sequence. Algorithms developed to predict the effect of missense changes on protein structure and function all suggest that this variant is likely to be disruptive. The variant allele was found at a frequency of 5.7e-06 in 176074 control chromosomes. The available data on variant occurrences in the general population are insufficient to allow any conclusion about variant significance. c.1375C>T has been observed in an individual affected with Osteogenesis imperfecta who inherited the variant maternally, although the clinical status of the mother was unclear (Mei_2022). This report does not provide unequivocal conclusions about association of the variant with Osteogenesis imperfecta type I. To our knowledge, no experimental evidence demonstrating an impact on protein function has been reported. The following publication has been ascertained in the context of this evaluation (PMID: 35909573). ClinVar contains an entry for this variant (Variation ID: 1979052). Based on the evidence outlined above, the variant was classified as uncertain significance.

Labcorp Genetics (formerly Invitae), Labcorp
Classification: Likely benign for Osteogenesis imperfecta type I. Last evaluated: 2023-03-26. Review status: criteria provided, single submitter. Criteria: Invitae Variant Classification Sherloc (09022015). Collection method: clinical testing. Allele origin: germline.

Literature cited by the submitters: PubMed 35909573 (cited by Women's Health and Genetics/Laboratory Corporation of America, LabCorp).